The following is an entry in ClinVar:

NM_001040108.2(MLH3):c.3887A>T (p.Asp1296Val)

Gene: MLH3 (mutL homolog 3; minus strand). Cytogenetic location: 14q24.3.
Variant type: single nucleotide variant.
Coding change: c.3887A>T on transcript NM_001040108.2 (MANE Select); coding-DNA position 3887, A replaced by T.
Protein change: p.Asp1296Val; replaces aspartic acid 1296 with valine.
Molecular consequence: missense variant.
Genome position (GRCh38, 1-based): chr14:75,030,643, T>A on the plus strand (A>T on the coding strand, the complement: MLH3 is on the minus strand). VCF-style: chr14-75030643-T-A. GRCh37 (hg19) VCF-style: chr14-75497346-T-A.
Other names: c.3815A>T, p.Asp1272Val (NM_014381.3); short protein forms D1272V, D1296V.
Identifiers: ClinVar variation 3232561 (VCV003232561.1), dbSNP rs373332183, ClinGen allele CA390422909.
Genomic context (GRCh38, chr14:75,030,643, plus strand): 5'-AGTTCATTGGCTTCTCTTTCCACAAAACATAGTGGTACTTTTCCCACAAGGACCAGAGAA[T>A]CACTAGTGTCTGGAAATACAAATTCAAGGCCCAGATCTTCCAGATTTTTGTGGTAACACC-3'
Protein context (NP_001035197.1, residues 1286-1306): GLEFVFPDTS[Asp1296Val]SLVLVGKVPL

ClinVar aggregate classification (germline): Uncertain significance (1 of 4 stars; one submission).

gnomAD v4.1: 1 of 1,614,002 alleles (0.000062%); highest among the groups gnomAD compares: Non-Finnish European, 0.000085%; no homozygotes.

Submission:

Ambry Genetics
Classification: Uncertain significance. Last evaluated: 2023-10-27. Review status: criteria provided, single submitter. Criteria: Ambry Variant Classification Scheme 2023. Collection method: clinical testing. Allele origin: germline.
Comment: The p.D1296V variant (also known as c.3887A>T), located in coding exon 8 of the MLH3 gene, results from an A to T substitution at nucleotide position 3887. The aspartic acid at codon 1296 is replaced by valine, an amino acid with highly dissimilar properties. This amino acid position is poorly conserved in available vertebrate species. In addition, the in silico prediction for this alteration is inconclusive. The evidence for this gene-disease relationship is limited; therefore, the clinical significance of this alteration is unclear.